The following is an entry in ClinVar:

ClinVar aggregate classification (germline): Uncertain significance (1 of 4 stars; one submission).

Conditions:
Cystic fibrosis (CF). Also called: MUCOVISCIDOSIS. Identifiers: Orphanet 586, MedGen C0010674, MONDO:0009061, OMIM 219700. Disease mechanism: loss of function.

Submission:

Institute of Human Genetics, University of Leipzig Medical Center
Classification: Uncertain significance for Cystic fibrosis. Last evaluated: 2022-09-05. Review status: criteria provided, single submitter. Criteria: ACMG Guidelines, 2015. Collection method: curation. Allele origin: unknown. Affected: yes. Observed: 1 variant allele.
Comment: The variant was classified in the context of a project re-classifying variants in the German Cystic Fibrosis Registry (Muko.e.V.). Criteria applied: PM2_SUP, PP4

NM_000492.4:c.(2908+1_2909-1)_(3139+1_3140-1)dup

Gene: CFTR (CF transmembrane conductance regulator; plus strand).
Variant type: Duplication.
Other names: CFTRdele16,17a; c.(2908+1_2909-1)_(3139+1_3140-1)dup (NM_000492.4).
Identifiers: ClinVar variation 1706060 (VCV001706060.1).